The following is an entry in ClinVar:

ClinVar aggregate classification (germline): Uncertain significance. Review status: criteria provided, multiple submitters, no conflicts (2 of 4 stars). 2 submissions from 2 submitters: Uncertain significance (2). Last evaluated 2025-10-01.

Allele frequency attached by ClinVar (database versions not stated): gnomAD exomes below 0.00001.
gnomAD v4.1: 1 of 1,612,638 alleles (0.000062%); highest among the groups gnomAD compares: Non-Finnish European, 0.000085%; no homozygotes.

Submissions (2):

CeGaT Center for Human Genetics Tuebingen
Classification: Uncertain significance. Last evaluated: 2025-10-01. Review status: criteria provided, single submitter. Criteria: CeGaT Center For Human Genetics Tuebingen Variant Classification Criteria Version 2. Collection method: clinical testing. Allele origin: germline. Affected: yes. Observed: 1 variant allele.
Comment: CNTNAP2: PM2

GeneDx
Classification: Uncertain significance. Last evaluated: 2019-04-24. Review status: criteria provided, single submitter. Criteria: GeneDx Variant Classification Process June 2021. Collection method: clinical testing. Allele origin: germline. Affected: yes.
Comment: Not observed in large population cohorts (Lek et al., 2016); In silico analysis, which includes protein predictors and evolutionary conservation, supports a deleterious effect; Has not been previously published as pathogenic or benign to our knowledge

NM_014141.6(CNTNAP2):c.1561A>G (p.Met521Val)

Gene: CNTNAP2 (contactin associated protein 2; plus strand). Cytogenetic location: 7q35.
Variant type: single nucleotide variant.
Coding change: c.1561A>G on transcript NM_014141.6 (MANE Select); coding-DNA position 1561, A replaced by G.
Protein change: p.Met521Val; replaces methionine 521 with valine.
Molecular consequence: missense variant.
Genome position (GRCh38, 1-based): chr7:147,395,671, A>G. VCF-style: chr7-147395671-A-G. GRCh37 (hg19) VCF-style: chr7-147092763-A-G.
Other names: short protein forms M521V.
Identifiers: ClinVar variation 1318556 (VCV001318556.8), dbSNP rs2116453934, ClinGen allele CA369925518.